The following is an entry in ClinVar:

NM_003000.3(SDHB):c.72+1849C>T

Gene: SDHB (succinate dehydrogenase complex iron sulfur subunit B; minus strand). Cytogenetic location: 1p36.13.
Variant type: single nucleotide variant.
Coding change: c.72+1849C>T on transcript NM_003000.3 (MANE Select); 1849 bases into the intron after coding-DNA position 72, C replaced by T.
Molecular consequence: intron variant.
Genome position (GRCh38, 1-based): chr1:17,052,099, G>A on the plus strand (C>T on the coding strand, the complement: SDHB is on the minus strand). VCF-style: chr1-17052099-G-A. GRCh37 (hg19) VCF-style: chr1-17378594-G-A.
Other names: c.72+1849C>T (NM_001407361.1).
Identifiers: ClinVar variation 3905450 (VCV003905450.10).
Genomic context (GRCh38, chr1:17,052,099, plus strand): 5'-GTTTCACCATGTTGGCCGGGCTGGTCTTGAACTCCTGACCTCAGGTGATCCACCCACCTT[G>A]GCCTCCCAAAGTGCTGGAATTACAGGCATGAGCCACTGCACCTGGCAAGATACACACTTT-3'

ClinVar aggregate classification (germline): Likely benign (1 of 4 stars; one submission).

Submission:

CeGaT Center for Human Genetics Tuebingen
Classification: Likely benign. Last evaluated: 2025-05-01. Review status: criteria provided, single submitter. Criteria: CeGaT Center For Human Genetics Tuebingen Variant Classification Criteria Version 2. Collection method: clinical testing. Allele origin: germline. Affected: yes. Observed: 1 variant allele.
Comment: SDHB: PM2:Supporting, BP4, BP7